The following is an entry in ClinVar:

NM_005915.6(MCM6):c.1230G>A (p.Glu410=)

Gene: MCM6 (minichromosome maintenance complex component 6; minus strand). Cytogenetic location: 2q21.3.
Variant type: single nucleotide variant.
Coding change: c.1230G>A on transcript NM_005915.6 (MANE Select); coding-DNA position 1230, G replaced by A.
Protein change: p.Glu410=; no amino-acid change (glutamic acid 410 retained).
Molecular consequence: synonymous variant.
Genome position (GRCh38, 1-based): chr2:135,859,433, C>T on the plus strand (G>A on the coding strand, the complement: MCM6 is on the minus strand). VCF-style: chr2-135859433-C-T. GRCh37 (hg19) VCF-style: chr2-136617003-C-T.
Other names: c.1230G>A (NM_005915.4).
Identifiers: ClinVar variation 3035394 (VCV003035394.3), dbSNP rs1381934296, ClinGen allele CA429086769.

ClinVar aggregate classification (germline): Likely benign. Review status: criteria provided, single submitter (1 of 4 stars). 2 submissions from 2 submitters: Likely benign (1). 1 of the submissions does not count toward it. Last evaluated 2025-01-08.

Conditions:
MCM6-related disorder. Also called: MCM6-related condition.

Allele frequency attached by ClinVar (database versions not stated): gnomAD exomes 0.00001; gnomAD 0.00005; TOPMed 0.00016.
gnomAD v4.1: 23 of 1,609,008 alleles (0.0014%); highest among the groups gnomAD compares: African/African-American, 0.027%; no homozygotes.

Submissions (2):

Ambry Genetics
Classification: Likely benign. Last evaluated: 2025-01-08. Review status: criteria provided, single submitter. Criteria: Ambry Variant Classification Scheme 2023. Collection method: clinical testing. Allele origin: germline.

PreventionGenetics, part of Exact Sciences
Classification: Likely benign for MCM6-related condition. Last evaluated: 2019-09-24. Review status: no assertion criteria provided. Collection method: clinical testing. Allele origin: germline. Not counted in ClinVar's aggregate classification.
Comment: This variant is classified as likely benign based on ACMG/AMP sequence variant interpretation guidelines (Richards et al. 2015 PMID: 25741868, with internal and published modifications).